The following is an entry in ClinVar:

NM_001458.5(FLNC):c.2254A>G (p.Ser752Gly)

Gene: FLNC (filamin C; plus strand). Cytogenetic location: 7q32.1.
Variant type: single nucleotide variant.
Coding change: c.2254A>G on transcript NM_001458.5 (MANE Select); coding-DNA position 2254, A replaced by G.
Protein change: p.Ser752Gly; replaces serine 752 with glycine.
Molecular consequence: missense variant.
Genome position (GRCh38, 1-based): chr7:128,842,363, A>G. VCF-style: chr7-128842363-A-G. GRCh37 (hg19) VCF-style: chr7-128482417-A-G.
Other names: c.2254A>G, p.Ser752Gly (NM_001127487.2); short protein forms S752G.
Identifiers: ClinVar variation 2009924 (VCV002009924.4), dbSNP rs1255794663, ClinGen allele CA369229599.

ClinVar aggregate classification (germline): Uncertain significance (1 of 4 stars; one submission).

Conditions:
Myofibrillar myopathy 5. Also called: Filaminopathy (type); FILAMINOPATHY, AUTOSOMAL DOMINANT. Identifiers: Orphanet 171445, MedGen C1836050, MONDO:0012289, OMIM 609524.
Hypertrophic cardiomyopathy 26. Also called: Cardiomyopathy, familial hypertrophic, 26. Identifiers: Orphanet 75249, MedGen C4310749, MONDO:0014883, OMIM 617047.
Distal myopathy with posterior leg and anterior hand involvement. Also called: WILLIAMS DISTAL MYOPATHY. Identifiers: Orphanet 63273, MedGen C3279722, MONDO:0013550, OMIM 614065.

Allele frequency attached by ClinVar (database versions not stated): gnomAD exomes below 0.00001.
gnomAD v4.1: 3 of 1,613,356 alleles (0.00019%); highest among the groups gnomAD compares: Admixed American, 0.0033%; no homozygotes.

Submission:

Labcorp Genetics (formerly Invitae), Labcorp
Classification: Uncertain significance for Distal myopathy with posterior leg and anterior hand involvement; Myofibrillar myopathy 5; Hypertrophic cardiomyopathy 26. Last evaluated: 2022-07-13. Review status: criteria provided, single submitter. Criteria: Invitae Variant Classification Sherloc (09022015). Collection method: clinical testing. Allele origin: germline.
Comment: This sequence change replaces serine, which is neutral and polar, with glycine, which is neutral and non-polar, at codon 752 of the FLNC protein (p.Ser752Gly). This variant is present in population databases (no rsID available, gnomAD 0.003%). This variant has not been reported in the literature in individuals affected with FLNC-related conditions. Algorithms developed to predict the effect of missense changes on protein structure and function are either unavailable or do not agree on the potential impact of this missense change (SIFT: "Tolerated"; PolyPhen-2: "Probably Damaging"; Align-GVGD: "Class C0"). In summary, the available evidence is currently insufficient to determine the role of this variant in disease. Therefore, it has been classified as a Variant of Uncertain Significance.